The following is an entry in ClinVar:

ClinVar aggregate classification (germline): Uncertain significance (1 of 4 stars; one submission).

Conditions:
Cardiovascular phenotype. Identifiers: MedGen CN230736.
Hereditary cancer-predisposing syndrome. Also called: Neoplastic Syndromes, Hereditary; Tumor predisposition; Hereditary neoplastic syndrome; Hereditary Cancer Syndrome. Identifiers: Orphanet 140162, MedGen C0027672, MeSH D009386, MONDO:0015356.

Submission:

Ambry Genetics
Classification: Uncertain significance for Cardiovascular phenotype; Hereditary cancer-predisposing syndrome. Last evaluated: 2026-08-31. Review status: criteria provided, single submitter. Criteria: Ambry Variant Classification Scheme 2023. Collection method: clinical testing. Allele origin: germline.
Comment: The p.V24A variant (also known as c.71T>C), located in coding exon 1 of the LZTR1 gene, results from a T to C substitution at nucleotide position 71. The valine at codon 24 is replaced by alanine, an amino acid with similar properties. This amino acid position is conserved. In addition, the in silico prediction for this alteration is inconclusive. Based on the available evidence, the clinical significance of this variant remains unclear.

NM_006767.4(LZTR1):c.71T>C (p.Val24Ala)

Genes: LZTR1 (leucine zipper like post translational regulator 1; plus strand), LOC130067016 (ATAC-STARR-seq lymphoblastoid silent region 13504; plus strand). Cytogenetic location: 22q11.21.
Variant type: single nucleotide variant.
Coding change: c.71T>C on transcript NM_006767.4 (MANE Select); coding-DNA position 71, T replaced by C.
Protein change: p.Val24Ala; replaces valine 24 with alanine.
Molecular consequence: missense variant.
Genome position (GRCh38, 1-based): chr22:20,982,442, T>C. VCF-style: chr22-20982442-T-C. GRCh37 (hg19) VCF-style: chr22-21336731-T-C.
Other names: short protein forms V24A.
Identifiers: ClinVar variation 5023800 (VCV005023800.1).
Genomic context (GRCh38, chr22:20,982,442, plus strand): 5'-CGGGCAGCACGGGGGGGCAGATCGGGGCTGCGGCCCTGGCAGGCGGCGCGCGGTCCAAGG[T>C]AGCCCCGAGCGTGGACTTCGACCATAGCTGCTCGGACAGTGTCGAGTACCTGACGCTCAA-3'
Protein context (NP_006758.2, residues 14-34): AALAGGARSK[Val24Ala]APSVDFDHSC